The following is an entry in ClinVar:

NM_001349253.2(SCN11A):c.212G>C (p.Arg71Pro)

Gene: SCN11A (sodium voltage-gated channel alpha subunit 11; minus strand). Cytogenetic location: 3p22.2.
Variant type: single nucleotide variant.
Coding change: c.212G>C on transcript NM_001349253.2 (MANE Select); coding-DNA position 212, G replaced by C.
Protein change: p.Arg71Pro; replaces arginine 71 with proline.
Molecular consequence: missense variant.
Genome position (GRCh38, 1-based): chr3:38,950,151, C>G on the plus strand (G>C on the coding strand, the complement: SCN11A is on the minus strand). VCF-style: chr3-38950151-C-G. GRCh37 (hg19) VCF-style: chr3-38991642-C-G.
Other names: c.212G>C, p.Arg71Pro (NM_014139.3); short protein forms R71P.
Identifiers: ClinVar variation 3763097 (VCV003763097.2).

ClinVar aggregate classification (germline): Uncertain significance (1 of 4 stars; one submission).

Conditions:
Hereditary sensory and autonomic neuropathy type 7. Also called: HSAN VII; Neuropathy, hereditary sensory and autonomic, type VII. Identifiers: Orphanet 391397, MedGen C3809882, MONDO:0014244, OMIM 615548.
Familial episodic pain syndrome with predominantly lower limb involvement. Also called: Episodic pain syndrome, familial, 3. Identifiers: Orphanet 391384, Orphanet 391392, MedGen C3809899, MONDO:0014247, OMIM 615552.

gnomAD v4.1: 9 of 1,605,986 alleles (0.00056%); highest among the groups gnomAD compares: South Asian, 0.0099%; no homozygotes.

Submission:

Labcorp Genetics (formerly Invitae), Labcorp
Classification: Uncertain significance for Familial episodic pain syndrome with predominantly lower limb involvement; Hereditary sensory and autonomic neuropathy type 7. Last evaluated: 2024-07-01. Review status: criteria provided, single submitter. Criteria: Invitae Variant Classification Sherloc (09022015). Collection method: clinical testing. Allele origin: germline.
Comment: This sequence change replaces arginine, which is basic and polar, with proline, which is neutral and non-polar, at codon 71 of the SCN11A protein (p.Arg71Pro). This variant is not present in population databases (gnomAD no frequency). This variant has not been reported in the literature in individuals affected with SCN11A-related conditions. Advanced modeling of protein sequence and biophysical properties (such as structural, functional, and spatial information, amino acid conservation, physicochemical variation, residue mobility, and thermodynamic stability) performed at Invitae indicates that this missense variant is not expected to disrupt SCN11A protein function with a negative predictive value of 80%. In summary, the available evidence is currently insufficient to determine the role of this variant in disease. Therefore, it has been classified as a Variant of Uncertain Significance.